The following is an entry in ClinVar:

ClinVar aggregate classification (germline): Uncertain significance (1 of 4 stars; one submission).

Conditions:
Combined immunodeficiency due to LRBA deficiency. Also called: Common variable immunodeficiency 8, with autoimmunity. Identifiers: Orphanet 445018, MedGen C3553512, MONDO:0013863, OMIM 614700.

gnomAD v4.1: 1 of 1,613,114 alleles (0.000062%); highest among the groups gnomAD compares: African/African-American, 0.0013%; no homozygotes.

Submission:

Labcorp Genetics (formerly Invitae), Labcorp
Classification: Uncertain significance for Combined immunodeficiency due to LRBA deficiency. Last evaluated: 2019-03-25. Review status: criteria provided, single submitter. Criteria: Invitae Variant Classification Sherloc (09022015). Collection method: clinical testing. Allele origin: germline.
Comment: In summary, the available evidence is currently insufficient to determine the role of this variant in disease. Therefore, it has been classified as a Variant of Uncertain Significance. Algorithms developed to predict the effect of missense changes on protein structure and function are either unavailable or do not agree on the potential impact of this missense change (SIFT: "Deleterious"; PolyPhen-2: "Probably Damaging"; Align-GVGD: "Class C0"). This variant has not been reported in the literature in individuals with LRBA-related conditions. This variant is not present in population databases (ExAC no frequency). This sequence change replaces leucine with arginine at codon 2668 of the LRBA protein (p.Leu2668Arg). The leucine residue is moderately conserved and there is a moderate physicochemical difference between leucine and arginine.

NM_001364905.1(LRBA):c.7970T>G (p.Leu2657Arg)

Gene: LRBA (LPS responsive beige-like anchor protein; minus strand). Cytogenetic location: 4q31.3.
Variant type: single nucleotide variant.
Coding change: c.7970T>G on transcript NM_001364905.1 (MANE Select); coding-DNA position 7970, T replaced by G.
Protein change: p.Leu2657Arg; replaces leucine 2657 with arginine.
Molecular consequence: missense variant.
Genome position (GRCh38, 1-based): chr4:150,302,672, A>C on the plus strand (T>G on the coding strand, the complement: LRBA is on the minus strand). VCF-style: chr4-150302672-A-C. GRCh37 (hg19) VCF-style: chr4-151223824-A-C.
Other names: c.7970T>G, p.Leu2657Arg (NM_001199282.3); c.7985T>G, p.Leu2662Arg (NM_001367550.1); c.8003T>G, p.Leu2668Arg (NM_006726.5); short protein forms L2662R, L2668R, L2657R.
Identifiers: ClinVar variation 856429 (VCV000856429.9), dbSNP rs748993188, ClinGen allele CA358598935.